The following is an entry in ClinVar:

NM_001330588.2(TPP2):c.3229G>C (p.Asp1077His)

Gene: TPP2 (tripeptidyl peptidase 2; plus strand). Cytogenetic location: 13q33.1.
Variant type: single nucleotide variant.
Coding change: c.3229G>C on transcript NM_001330588.2 (MANE Select); coding-DNA position 3229, G replaced by C.
Protein change: p.Asp1077His; replaces aspartic acid 1077 with histidine.
Molecular consequence: missense variant. On other transcripts: non-coding transcript variant (1).
Genome position (GRCh38, 1-based): chr13:102,663,733, G>C. VCF-style: chr13-102663733-G-C. GRCh37 (hg19) VCF-style: chr13-103316083-G-C.
Other names: c.3229G>C, p.Asp1077His (LRG_1341t1); c.3190G>C, p.Asp1064His (NM_001367947.1, NM_003291.4); short protein forms D1077H, D1064H.
Identifiers: ClinVar variation 661660 (VCV000661660.8), dbSNP rs1231455217, ClinGen allele CA388506611.
Genomic context (GRCh38, chr13:102,663,733, plus strand): 5'-GAATTGAAAGAAACATATCCTAATTATCTTCCTCTGTACGTTGCACGACTTCATCAATTG[G>C]ATGCTGAAAAGGTTAGACATGTTCATTCTGATATATCTTATTTTGTTTGTAATTATATAA-3'
Protein context (NP_001317517.1, residues 1067-1087): PLYVARLHQL[Asp1077His]AEKERMKRLN

ClinVar aggregate classification (germline): Uncertain significance (1 of 4 stars; one submission).

Conditions:
Evans syndrome, immunodeficiency, and premature immunosenescence associated with tripeptidyl-peptidase II deficiency. Identifiers: MedGen CN231723. Disease mechanism: loss of function.

Submission:

Labcorp Genetics (formerly Invitae), Labcorp
Classification: Uncertain significance for Evans syndrome, immunodeficiency, and premature immunosenescence associated with tripeptidyl-peptidase II deficiency. Last evaluated: 2018-10-19. Review status: criteria provided, single submitter. Criteria: Invitae Variant Classification Sherloc (09022015). Collection method: clinical testing. Allele origin: germline.
Comment: This variant has not been reported in the literature in individuals with TPP2-related disease. In summary, the available evidence is currently insufficient to determine the role of this variant in disease. Therefore, it has been classified as a Variant of Uncertain Significance. Algorithms developed to predict the effect of missense changes on protein structure and function are either unavailable or do not agree on the potential impact of this missense change (SIFT: "Deleterious"; PolyPhen-2: "Probably Damaging"; Align-GVGD: "Class C0"). This variant is not present in population databases (ExAC no frequency). This sequence change replaces aspartic acid with histidine at codon 1064 of the TPP2 protein (p.Asp1064His). The aspartic acid residue is highly conserved and there is a moderate physicochemical difference between aspartic acid and histidine.